The following is an entry in ClinVar:

ClinVar aggregate classification (germline): Uncertain significance. Review status: criteria provided, multiple submitters, no conflicts (2 of 4 stars). 3 submissions from 3 submitters: Uncertain significance (3). Last evaluated 2025-09-22.

Conditions:
Cardiovascular phenotype. Identifiers: MedGen CN230736.
Cardiomyopathy (CMYO). Also called: Cardiomyopathies. Identifiers: Orphanet 167848, MedGen C0878544, MONDO:0004994, HP:0001638. Inheritance: Various modes of inheritance.
Catecholaminergic polymorphic ventricular tachycardia 1. Also called: VENTRICULAR TACHYCARDIA, CATECHOLAMINERGIC POLYMORPHIC, 1, WITH OR WITHOUT ATRIAL DYSFUNCTION AND/OR DILATED CARDIOMYOPATHY; VENTRICULAR TACHYCARDIA, STRESS-INDUCED POLYMORPHIC 1; RYR2-Related Catecholaminergic Polymorphic Ventricular Tachycardia. Identifiers: Orphanet 3286, MedGen C1631597, MONDO:0011484, OMIM 604772.

Allele frequency attached by ClinVar (database versions not stated): gnomAD exomes below 0.00001.
gnomAD v4.1: 2 of 1,608,796 alleles (0.00012%); highest among the groups gnomAD compares: Non-Finnish European, 0.00017%; no homozygotes.

Submissions (3):

Color Diagnostics, LLC DBA Color Health
Classification: Uncertain significance for Cardiomyopathy. Last evaluated: 2025-09-22. Review status: criteria provided, single submitter. Criteria: ACMG Guidelines, 2015. Collection method: clinical testing. Allele origin: germline.
Comment: This missense variant replaces isoleucine with threonine at codon 3629 of the RYR2 protein. Computational prediction suggests that this variant may have deleterious impact on protein structure and function. To our knowledge, functional studies have not been reported for this variant. This variant has not been reported in individuals affected with RYR2-related disorders in the literature. This variant has not been identified in the general population by the Genome Aggregation Database (gnomAD). The available evidence is insufficient to determine the role of this variant in disease conclusively. Therefore, this variant is classified as a Variant of Uncertain Significance.

Labcorp Genetics (formerly Invitae), Labcorp
Classification: Uncertain significance for Catecholaminergic polymorphic ventricular tachycardia 1. Last evaluated: 2025-04-10. Review status: criteria provided, single submitter. Criteria: Invitae Variant Classification Sherloc (09022015). Collection method: clinical testing. Allele origin: germline.
Comment: This sequence change replaces isoleucine, which is neutral and non-polar, with threonine, which is neutral and polar, at codon 3629 of the RYR2 protein (p.Ile3629Thr). This variant is not present in population databases (gnomAD no frequency). This variant has not been reported in the literature in individuals affected with RYR2-related conditions. ClinVar contains an entry for this variant (Variation ID: 1788081). Invitae Evidence Modeling of protein sequence and biophysical properties (such as structural, functional, and spatial information, amino acid conservation, physicochemical variation, residue mobility, and thermodynamic stability) indicates that this missense variant is expected to disrupt RYR2 protein function with a positive predictive value of 95%. In summary, the available evidence is currently insufficient to determine the role of this variant in disease. Therefore, it has been classified as a Variant of Uncertain Significance.

Ambry Genetics
Classification: Uncertain significance for Cardiovascular phenotype. Last evaluated: 2017-12-22. Review status: criteria provided, single submitter. Criteria: Ambry Variant Classification Scheme 2023. Collection method: clinical testing. Allele origin: germline.
Comment: The p.I3629T variant (also known as c.10886T>C), located in coding exon 77 of the RYR2 gene, results from a T to C substitution at nucleotide position 10886. The isoleucine at codon 3629 is replaced by threonine, an amino acid with similar properties. This amino acid position is highly conserved in available vertebrate species. In addition, this alteration is predicted to be deleterious by in silico analysis. Since supporting evidence is limited at this time, the clinical significance of this alteration remains unclear.

NM_001035.3(RYR2):c.10886T>C (p.Ile3629Thr)

Gene: RYR2 (ryanodine receptor 2; plus strand). Cytogenetic location: 1q43.
Variant type: single nucleotide variant.
Coding change: c.10886T>C on transcript NM_001035.3 (MANE Select); coding-DNA position 10886, T replaced by C.
Protein change: p.Ile3629Thr; replaces isoleucine 3629 with threonine.
Molecular consequence: missense variant.
Genome position (GRCh38, 1-based): chr1:237,730,307, T>C. VCF-style: chr1-237730307-T-C. GRCh37 (hg19) VCF-style: chr1-237893607-T-C.
Other names: short protein forms I3629T.
Identifiers: ClinVar variation 1788081 (VCV001788081.3), dbSNP rs2527042384, ClinGen allele CA345417856.